The following is an entry in ClinVar:

NM_001845.6(COL4A1):c.2284G>A (p.Val762Ile)

Gene: COL4A1 (collagen type IV alpha 1 chain; minus strand). Cytogenetic location: 13q34.
Variant type: single nucleotide variant.
Coding change: c.2284G>A on transcript NM_001845.6 (MANE Select); coding-DNA position 2284, G replaced by A.
Protein change: p.Val762Ile; replaces valine 762 with isoleucine.
Molecular consequence: missense variant.
Genome position (GRCh38, 1-based): chr13:110,179,331, C>T on the plus strand (G>A on the coding strand, the complement: COL4A1 is on the minus strand). VCF-style: chr13-110179331-C-T. GRCh37 (hg19) VCF-style: chr13-110831678-C-T.
Other names: short protein forms V762I.
Identifiers: ClinVar variation 1431655 (VCV001431655.8), dbSNP rs775341305, ClinGen allele CA7047649.

ClinVar aggregate classification (germline): Uncertain significance (1 of 4 stars; one submission).

Allele frequency attached by ClinVar (database versions not stated): gnomAD 0.00002; TOPMed 0.00003; gnomAD exomes below 0.00001; ExAC 0.00001.

Submission:

Labcorp Genetics (formerly Invitae), Labcorp
Classification: Uncertain significance. Last evaluated: 2022-10-26. Review status: criteria provided, single submitter. Criteria: Invitae Variant Classification Sherloc (09022015). Collection method: clinical testing. Allele origin: germline.
Comment: This sequence change replaces valine, which is neutral and non-polar, with isoleucine, which is neutral and non-polar, at codon 762 of the COL4A1 protein (p.Val762Ile). This variant is present in population databases (rs775341305, gnomAD 0.003%). This variant has not been reported in the literature in individuals affected with COL4A1-related conditions. ClinVar contains an entry for this variant (Variation ID: 1431655). Algorithms developed to predict the effect of missense changes on protein structure and function are either unavailable or do not agree on the potential impact of this missense change (SIFT: "Tolerated"; PolyPhen-2: "Possibly Damaging"; Align-GVGD: "Class C0"). In summary, the available evidence is currently insufficient to determine the role of this variant in disease. Therefore, it has been classified as a Variant of Uncertain Significance.